The following is an entry in ClinVar:

NM_000051.4(ATM):c.3925G>A (p.Ala1309Thr)

Gene: ATM (ATM serine/threonine kinase; plus strand). Cytogenetic location: 11q22.3.
Variant type: single nucleotide variant.
Coding change: c.3925G>A on transcript NM_000051.4 (MANE Select); coding-DNA position 3925, G replaced by A.
Protein change: p.Ala1309Thr; replaces alanine 1309 with threonine.
Molecular consequence: missense variant.
Genome position (GRCh38, 1-based): chr11:108,284,405, G>A. VCF-style: chr11-108284405-G-A. GRCh37 (hg19) VCF-style: chr11-108155132-G-A.
Other names: p.A1309T:GCA>ACA; NM_000051.4(ATM):c.3925G>A; c.3925G>A, p.Ala1309Thr (NM_001351834.2); short protein forms A1309T.
Identifiers: ClinVar variation 127377 (VCV000127377.136), dbSNP rs149711770, ClinGen allele CA242620.
Genomic context (GRCh38, chr11:108,284,405, plus strand): 5'-AAGATTCTTGTAAATATTCTTCCTTATTTTGCCTATGAGGGTACCAGAGACAGTGGGATG[G>A]CACAGCAAAGAGAGACTGCTACCAAGGTCTATGATATGCTTAAAAGTGAAAACTTATTGG-3'
Protein context (NP_000042.3, residues 1299-1319): AYEGTRDSGM[Ala1309Thr]QQRETATKVY

ClinVar aggregate classification (germline): Benign. Review status: reviewed by expert panel (3 of 4 stars). 33 submissions from 33 submitters: Benign (1). 32 of the submissions do not count toward it. Last evaluated 2022-03-09.

Conditions:
ATM-related cancer predisposition. Also called: ATM-related cancer susceptibility. Identifiers: MedGen CN377759, MONDO:0700270.
Breast and/or ovarian cancer. Identifiers: MedGen CN221562.
Hereditary cancer-predisposing syndrome. Also called: Tumor predisposition; Hereditary neoplastic syndrome; Neoplastic Syndromes, Hereditary; Hereditary Cancer Syndrome. Identifiers: Orphanet 140162, MedGen C0027672, MeSH D009386, MONDO:0015356.
Hereditary breast ovarian cancer syndrome. Also called: Hereditary breast and ovarian cancer syndrome (HBOC); Hereditary breast and ovarian cancer; Hereditary breast and ovarian cancer syndrome; Breast and ovarian cancer; Hereditary breast and/or ovarian cancer syndrome; BRCA1- and BRCA2-Associated Hereditary Breast and Ovarian Cancer. Identifiers: Orphanet 145, MedGen C0677776, MeSH D061325, MONDO:0003582. Disease mechanism: loss of function.
Ataxia-telangiectasia syndrome (AT). Also called: LOUIS-BAR SYNDROME; Ataxia-telangiectasia; Ataxia telangiectasia (A-T); Cerebello-oculocutaneous telangiectasia; Immunodeficiency with ataxia telangiectasia; Ataxia-telangiectasia, complementation group D. Identifiers: Orphanet 100, MedGen C0004135, MONDO:0008840, OMIM 208900.
Familial cancer of breast. Also called: Hereditary breast cancer; hereditary breast carcinoma; BREAST CANCER, FAMILIAL. Identifiers: Orphanet 227535, MedGen C0346153, MONDO:0016419, OMIM 114480. Disease mechanism: loss of function.
Malignant tumor of breast. Also called: Malignant breast neoplasm; Cancer breast. Identifiers: MedGen C0006142, MONDO:0007254. Disease mechanism: loss of function.

Allele frequency attached by ClinVar (database versions not stated): 1000 Genomes Project 0.00020; 1000 Genomes Project 30x 0.00031; ExAC 0.00062; gnomAD exomes 0.00068 and 0.00120; gnomAD 0.00076 and 0.00081; TOPMed 0.00078; ESP Exome Variant Server 0.00108.
gnomAD v4.1: 1,832 of 1,613,892 alleles (0.11%); highest among the groups gnomAD compares: Non-Finnish European, 0.15%; no homozygotes.

Submissions 1 to 14 of 33:

ClinGen Hereditary Breast, Ovarian and Pancreatic Cancer Variant Curation Expert Panel, ClinGen
Classification: Benign for ATM-related cancer predisposition. Last evaluated: 2022-03-09. Review status: reviewed by expert panel. Criteria: clingen hbop acmg specifications atm v1-1. Collection method: curation. Allele origin: germline. Inheritance: Autosomal dominant inheritance.
Comment: The ATM c.3925G>A (p.Ala1309Thr) variant has a GnomAD (v2.1.1) filtering allele frequency of 0.1050% (NFE) which is above the ATM BS1 threshold of .05% (BS1). This variant has been observed in a homozygous and compound heterozygous state in multiple individuals without ataxia-telangiectasia (Internal laboratory contributions; BP2_strong). Multiple in silico protein predictors predict that this alteration is not deleterious (BP4). In summary, this variant meets criteria to be classified as benign based on the ACMG/AMP criteria applied, as specified by the HBOP Variant Curation Expert Panel.

CeGaT Center for Human Genetics Tuebingen
Classification: Likely benign. Last evaluated: 2026-06-01. Review status: criteria provided, single submitter. Criteria: CeGaT Center For Human Genetics Tuebingen Variant Classification Criteria Version 2. Collection method: clinical testing. Allele origin: germline. Affected: yes. Observed: 14 variant alleles. Not counted in ClinVar's aggregate classification.
Comment: ATM: BP4, BS1

Labcorp Genetics (formerly Invitae), Labcorp
Classification: Benign for Ataxia-telangiectasia syndrome. Last evaluated: 2026-02-03. Review status: criteria provided, single submitter. Criteria: Invitae Variant Classification Sherloc (09022015). Collection method: clinical testing. Allele origin: germline. Not counted in ClinVar's aggregate classification.

Dasa
Classification: Likely benign for ATM-related cancer predisposition. Last evaluated: 2025-12-29. Review status: criteria provided, single submitter. Criteria: DASA Assertion Criteria. Collection method: clinical testing. Allele origin: germline. Not counted in ClinVar's aggregate classification.
Comment: NM_000051.4(ATM):c.3925G>A (p.Ala1309Thr) is a missense variant that results in the substitution of alanine with threonine. Population frequency is inconsistent with a disease-causing role for this variant. Computational prediction algorithms are consistent with a benign effect. Therefore, based on the currently available evidence, this variant is classified as likely benign.

Mayo Clinic Laboratories, Mayo Clinic
Classification: Likely benign. Last evaluated: 2025-09-09. Review status: criteria provided, single submitter. Criteria: ACMG Guidelines, 2015. Collection method: clinical testing. Allele origin: germline. Observed: 8 variant alleles. Not counted in ClinVar's aggregate classification.
Comment: BS1, BP4

Center for Genomic Medicine, Rigshospitalet, Copenhagen University Hospital
Classification: Benign. Last evaluated: 2025-03-04. Review status: criteria provided, single submitter. Criteria: ACMG Guidelines, 2015. Collection method: clinical testing. Allele origin: germline. Not counted in ClinVar's aggregate classification.

Myriad Genetics, Inc.
Classification: Benign for Familial cancer of breast. Last evaluated: 2025-01-10. Review status: criteria provided, single submitter. Criteria: Myriad Autosomal Dominant, Autosomal Recessive and X-Linked Classification Criteria (2023). Collection method: clinical testing. Allele origin: unknown. Not counted in ClinVar's aggregate classification.
Comment: This variant is considered benign. This variant is strongly associated with less severe personal and family histories of cancer, typical for individuals without pathogenic variants in this gene [PMID: 25085752]. This variant has been observed at a population frequency that is significantly greater than expected given the associated disease prevalence and penetrance.

ARUP Laboratories, Molecular Genetics and Genomics, ARUP Laboratories
Classification: Benign. Last evaluated: 2025-01-02. Review status: criteria provided, single submitter. Criteria: ARUP Molecular Germline Variant Investigation Process 2024. Collection method: clinical testing. Allele origin: germline. Not counted in ClinVar's aggregate classification.

Blueprint Genetics
Classification: Likely benign. Last evaluated: 2024-11-05. Review status: criteria provided, single submitter. Criteria: ACMG Guidelines, 2015. Collection method: clinical testing. Allele origin: germline. Not counted in ClinVar's aggregate classification.

Color Diagnostics, LLC DBA Color Health
Classification: Likely benign for Hereditary cancer-predisposing syndrome. Last evaluated: 2024-09-18. Review status: criteria provided, single submitter. Criteria: ACMG Guidelines, 2015. Collection method: clinical testing. Allele origin: germline. Not counted in ClinVar's aggregate classification.

Center for Genomics, Ann and Robert H. Lurie Children's Hospital of Chicago
Classification: Benign for Familial cancer of breast. Last evaluated: 2023-12-04. Review status: criteria provided, single submitter. Criteria: ACMG Guidelines, 2015. Collection method: clinical testing. Allele origin: germline. Not counted in ClinVar's aggregate classification.

CHEO Genetics Diagnostic Laboratory, Children's Hospital of Eastern Ontario
Classification: Likely benign for Breast and/or ovarian cancer. Last evaluated: 2023-07-11. Review status: criteria provided, single submitter. Criteria: ACMG Guidelines, 2015. Collection method: clinical testing. Allele origin: germline. Not counted in ClinVar's aggregate classification.

Sema4
Classification: Likely benign for Hereditary cancer-predisposing syndrome. Last evaluated: 2021-07-20. Review status: criteria provided, single submitter. Criteria: Sema4 Curation Guidelines. Collection method: curation. Allele origin: germline. Not counted in ClinVar's aggregate classification.

Genetic Services Laboratory, University of Chicago
Classification: Likely benign. Last evaluated: 2021-01-25. Review status: criteria provided, single submitter. Criteria: ACMG Guidelines, 2015. Collection method: clinical testing. Allele origin: germline. Affected: no. Not counted in ClinVar's aggregate classification.